The following is an entry in ClinVar:

ClinVar aggregate classification (germline): Likely benign (1 of 4 stars; one submission).

Conditions:
SBF2-related disorder. Also called: SBF2-related condition.

Submission:

PreventionGenetics, part of Exact Sciences
Classification: Likely benign for SBF2-related condition. Last evaluated: 2026-09-01. Review status: criteria provided, single submitter. Criteria: ACMG Guidelines, 2015. Collection method: clinical testing. Allele origin: germline.
Comment: This variant is classified as likely benign based on ACMG/AMP sequence variant interpretation guidelines (Richards et al. 2015 PMID: 25741868, with internal and published modifications).

NM_030962.4(SBF2):c.1167+5G>A

Gene: SBF2 (SET binding factor 2; minus strand). Cytogenetic location: 11p15.4.
Variant type: single nucleotide variant.
Coding change: c.1167+5G>A on transcript NM_030962.4 (MANE Select); 5 bases into the intron after coding-DNA position 1167, G replaced by A.
Molecular consequence: intron variant.
Genome position (GRCh38, 1-based): chr11:9,992,985, C>T on the plus strand (G>A on the coding strand, the complement: SBF2 is on the minus strand). VCF-style: chr11-9992985-C-T. GRCh37 (hg19) VCF-style: chr11-10014532-C-T.
Other names: c.1203+5G>A (NM_001425069.1, NM_001425070.1, NM_001424318.1); c.1167+5G>A (NM_001386342.1, NM_001386339.1).
Identifiers: ClinVar variation 4994351 (VCV004994351.1).